The following is an entry in ClinVar:

ClinVar aggregate classification (germline): Uncertain significance (1 of 4 stars; one submission).

Allele frequency attached by ClinVar (database versions not stated): TOPMed below 0.00001; gnomAD exomes 0.00002 and 0.00004; ExAC 0.00006.
gnomAD v4.1: 11 of 1,612,054 alleles (0.00068%); highest among the groups gnomAD compares: Admixed American, 0.018%; no homozygotes.

Submission:

Labcorp Genetics (formerly Invitae), Labcorp
Classification: Uncertain significance. Last evaluated: 2025-09-02. Review status: criteria provided, single submitter. Criteria: Invitae Variant Classification Sherloc (09022015). Collection method: clinical testing. Allele origin: germline.
Comment: This sequence change replaces leucine, which is neutral and non-polar, with glutamine, which is neutral and polar, at codon 64 of the PISD protein (p.Leu64Gln). This variant is present in population databases (rs760280251, gnomAD 0.03%). This variant has not been reported in the literature in individuals affected with PISD-related conditions. ClinVar contains an entry for this variant (Variation ID: 1472596). An algorithm developed to predict the effect of missense changes on protein structure and function (PolyPhen-2) suggests that this variant is likely to be tolerated. In summary, the available evidence is currently insufficient to determine the role of this variant in disease. Therefore, it has been classified as a Variant of Uncertain Significance.

NM_001326411.2(PISD):c.191T>A (p.Leu64Gln)

Gene: PISD (phosphatidylserine decarboxylase; minus strand). Cytogenetic location: 22q12.2.
Variant type: single nucleotide variant.
Coding change: c.191T>A on transcript NM_001326411.2 (MANE Select); coding-DNA position 191, T replaced by A.
Protein change: p.Leu64Gln; replaces leucine 64 with glutamine.
Molecular consequence: missense variant. On other transcripts: 5 prime UTR variant (6).
Genome position (GRCh38, 1-based): chr22:31,648,231, A>T on the plus strand (T>A on the coding strand, the complement: PISD is on the minus strand). VCF-style: chr22-31648231-A-T. GRCh37 (hg19) VCF-style: chr22-32044217-A-T.
Other names: c.191T>A, p.Leu64Gln (NM_001326412.1, NM_001326421.1); c.-39T>A (NM_001326413.2, NM_001326414.2); c.-332T>A (NM_001326415.2, NM_001326417.2, NM_001326419.2); c.-441T>A (NM_001326416.2); c.11T>A, p.Leu4Gln (NM_001326418.2, NM_001326420.2); short protein forms L4Q, L64Q.
Identifiers: ClinVar variation 1472596 (VCV001472596.6), dbSNP rs760280251, ClinGen allele CA10194988.